The following is an entry in ClinVar:

ClinVar aggregate classification (germline): Uncertain significance (1 of 4 stars; one submission).

Conditions:
DNA ligase IV deficiency. Identifiers: Orphanet 99812, MedGen C1847827, MONDO:0011686, OMIM 606593.

Submission:

Labcorp Genetics (formerly Invitae), Labcorp
Classification: Uncertain significance for DNA ligase IV deficiency. Last evaluated: 2022-04-26. Review status: criteria provided, single submitter. Criteria: Invitae Variant Classification Sherloc (09022015). Collection method: clinical testing. Allele origin: germline.
Comment: This sequence change replaces aspartic acid, which is acidic and polar, with valine, which is neutral and non-polar, at codon 18 of the LIG4 protein (p.Asp18Val). This variant is not present in population databases (gnomAD no frequency). This variant has not been reported in the literature in individuals affected with LIG4-related conditions. Algorithms developed to predict the effect of missense changes on protein structure and function (SIFT, PolyPhen-2, Align-GVGD) all suggest that this variant is likely to be tolerated. Algorithms developed to predict the effect of sequence changes on RNA splicing suggest that this variant may disrupt the consensus splice site. In summary, the available evidence is currently insufficient to determine the role of this variant in disease. Therefore, it has been classified as a Variant of Uncertain Significance.

NM_206937.2(LIG4):c.53A>T (p.Asp18Val)

Gene: LIG4 (DNA ligase 4; minus strand). Cytogenetic location: 13q33.3.
Variant type: single nucleotide variant.
Coding change: c.53A>T on transcript NM_206937.2 (MANE Select); coding-DNA position 53, A replaced by T.
Protein change: p.Asp18Val; replaces aspartic acid 18 with valine.
Molecular consequence: missense variant. On other transcripts: 5 prime UTR variant (1).
Genome position (GRCh38, 1-based): chr13:108,211,216, T>A on the plus strand (A>T on the coding strand, the complement: LIG4 is on the minus strand). VCF-style: chr13-108211216-T-A. GRCh37 (hg19) VCF-style: chr13-108863564-T-A.
Other names: c.53A>T, p.Asp18Val (NM_001098268.2, NM_001352598.2, NM_001352599.2 and 6 more transcripts); c.-149A>T (NM_001330595.2); c.89A>T, p.Asp30Val (NM_001352604.2); short protein forms D18V, D30V.
Identifiers: ClinVar variation 2116666 (VCV002116666.1), dbSNP rs2501630991, ClinGen allele CA388624778.